The following is an entry in ClinVar:

NM_000038.6(APC):c.1454T>G (p.Met485Arg)

Gene: APC (APC regulator of Wnt signaling pathway; plus strand). Cytogenetic location: 5q22.2.
Variant type: single nucleotide variant.
Coding change: c.1454T>G on transcript NM_000038.6 (MANE Select); coding-DNA position 1454, T replaced by G.
Protein change: p.Met485Arg; replaces methionine 485 with arginine.
Molecular consequence: missense variant.
Genome position (GRCh38, 1-based): chr5:112,827,153, T>G. VCF-style: chr5-112827153-T-G. GRCh37 (hg19) VCF-style: chr5-112162850-T-G.
Other names: c.1454T>G, p.Met485Arg (NM_001127510.3, NM_001354895.2, NM_001407450.1); c.1400T>G, p.Met467Arg (NM_001127511.3); c.1508T>G, p.Met503Arg (NM_001354896.2, NM_001407447.1, NM_001407448.1 and 1 more transcripts); c.1484T>G, p.Met495Arg (NM_001354897.2); c.1379T>G, p.Met460Arg (NM_001354898.2); c.1370T>G, p.Met457Arg (NM_001354899.2); c.1331T>G, p.Met444Arg (NM_001354900.2); c.1277T>G, p.Met426Arg (NM_001354901.2, NM_001407453.1); and 11 more; short protein forms M325R, M359R, M402R, M478R, M503R, M460R, M101R, M202R.
Identifiers: ClinVar variation 1773021 (VCV001773021.2), dbSNP rs2149809116, ClinGen allele CA16024490.

ClinVar aggregate classification (germline): Uncertain significance (1 of 4 stars; one submission).

Conditions:
Hereditary cancer-predisposing syndrome. Also called: Hereditary Cancer Syndrome; Hereditary neoplastic syndrome; Neoplastic Syndromes, Hereditary; Tumor predisposition. Identifiers: Orphanet 140162, MedGen C0027672, MeSH D009386, MONDO:0015356.

Submission:

Ambry Genetics
Classification: Uncertain significance for Hereditary cancer-predisposing syndrome. Last evaluated: 2022-07-01. Review status: criteria provided, single submitter. Criteria: Ambry Variant Classification Scheme 2023. Collection method: clinical testing. Allele origin: germline.
Comment: The p.M485R variant (also known as c.1454T>G), located in coding exon 11 of the APC gene, results from a T to G substitution at nucleotide position 1454. The methionine at codon 485 is replaced by arginine, an amino acid with similar properties. This amino acid position is conserved. In addition, in silico predictors for this gene do not accurately predict pathogenicity. Since supporting evidence is limited at this time, the clinical significance of this alteration remains unclear.